The following is an entry in ClinVar:

ClinVar aggregate classification (germline): Likely pathogenic. Review status: criteria provided, multiple submitters, no conflicts (2 of 4 stars). 2 submissions from 2 submitters: Likely pathogenic (2). Last evaluated 2024-03-15.

Conditions:
Hyperammonemia, type III (NAGSD). Also called: Hyperammonemia due to N-acetylglutamate synthase deficiency. Identifiers: Orphanet 927, MedGen C0268543, MONDO:0009377, OMIM 237310.

Submissions (2):

Fulgent Genetics
Classification: Likely pathogenic for Hyperammonemia, type III. Last evaluated: 2024-03-15. Review status: criteria provided, single submitter. Criteria: ACMG Guidelines, 2015. Collection method: clinical testing. Allele origin: germline.

Labcorp Genetics (formerly Invitae), Labcorp
Classification: Likely pathogenic for Hyperammonemia, type III. Last evaluated: 2021-11-07. Review status: criteria provided, single submitter. Criteria: Invitae Variant Classification Sherloc (09022015). Collection method: clinical testing. Allele origin: germline.
Comment: This variant has not been reported in the literature in individuals affected with NAGS-related conditions. Algorithms developed to predict the effect of sequence changes on RNA splicing suggest that this variant may disrupt the consensus splice site. In summary, the currently available evidence indicates that the variant is pathogenic, but additional data are needed to prove that conclusively. Therefore, this variant has been classified as Likely Pathogenic. This variant is not present in population databases (gnomAD no frequency). This sequence change affects a donor splice site in intron 2 of the NAGS gene. It is expected to disrupt RNA splicing. Variants that disrupt the donor or acceptor splice site typically lead to a loss of protein function (PMID: 16199547), and loss-of-function variants in NAGS are known to be pathogenic (PMID: 12594532).

Literature cited by the submitters: PubMed 16199547 (cited by Labcorp Genetics (formerly Invitae), Labcorp); PubMed 12594532 (cited by Labcorp Genetics (formerly Invitae), Labcorp).

NM_153006.3(NAGS):c.701+1G>A

Gene: NAGS (N-acetylglutamate synthase; plus strand). Cytogenetic location: 17q21.31.
Variant type: single nucleotide variant.
Coding change: c.701+1G>A on transcript NM_153006.3 (MANE Select); the canonical splice donor site of the intron after coding-DNA position 701, G replaced by A.
Molecular consequence: splice donor variant.
Genome position (GRCh38, 1-based): chr17:44,005,912, G>A. VCF-style: chr17-44005912-G-A. GRCh37 (hg19) VCF-style: chr17-42083280-G-A.
Identifiers: ClinVar variation 1464776 (VCV001464776.7), dbSNP rs2049082368, ClinGen allele CA399725299.